The following is an entry in ClinVar:

NM_020732.3:c.5570_5571delAA

Gene: ARID1B (AT-rich interaction domain 1B; plus strand).
Variant type: Deletion.
Other names: c.5570_5571delAA (NM_020732.3).
Identifiers: ClinVar variation 4584771 (VCV004584771.1).

ClinVar aggregate classification (germline): Pathogenic (1 of 4 stars; one submission).

Conditions:
Inborn genetic diseases. Identifiers: MedGen C0950123, MeSH D030342.

Submission:

Ambry Genetics
Classification: Pathogenic for Inborn genetic diseases. Last evaluated: 2025-10-27. Review status: criteria provided, single submitter. Criteria: Ambry Variant Classification Scheme 2023. Collection method: clinical testing. Allele origin: germline.
Comment: The c.5570_5571delAA (p.K1857Rfs*9) alteration, located in exon 20 (coding exon 20) of the ARID1B gene, consists of a deletion of 2 nucleotides from position 5570 to 5571, causing a translational frameshift with a predicted alternate stop codon after 9 amino acids. This variant is not expected to trigger nonsense-mediated mRNA decay and impacts the last 17% of the protein. However, premature stop codons are typically deleterious in nature, the impacted region is critical for protein function, and a significant portion of the protein is affected (Ambry internal data). This variant was not reported in population-based cohorts in the Genome Aggregation Database (gnomAD). Based on the available evidence, this alteration is classified as pathogenic.